The following is an entry in ClinVar:

ClinVar aggregate classification (germline): Uncertain significance (1 of 4 stars; one submission).

Submission:

GeneDx
Classification: Uncertain significance. Last evaluated: 2023-02-10. Review status: criteria provided, single submitter. Criteria: GeneDx Variant Classification Process June 2021. Collection method: clinical testing. Allele origin: germline. Affected: yes.
Comment: Not observed at significant frequency in large population cohorts (gnomAD); In-frame deletion of 47 amino acids in a non-repeat region; Has not been previously published as pathogenic or benign to our knowledge

NM_001042681.2(RERE):c.2235_2375del (p.Gly746_Thr792del)

Gene: RERE (arginine-glutamic acid dipeptide repeats; minus strand). Cytogenetic location: 1p36.23.
Variant type: Deletion.
Coding change: c.2235_2375del on transcript NM_001042681.2 (MANE Select); coding-DNA positions 2235 to 2375, 141 bases deleted.
Protein change: p.Gly746_Thr792del.
Molecular consequence: inframe deletion.
Genome position (GRCh38, 1-based): chr1:8,361,132-8,361,272, 141 bases deleted. GRCh37 (hg19): chr1:8,421,203-8,421,343.
Other names: c.573_713del, p.Gly192_Thr238del (NM_001042682.2); c.2235_2375del, p.Gly746_Thr792del (NM_012102.4).
Identifiers: ClinVar variation 2576795 (VCV002576795.1), dbSNP rs2522719655, ClinGen allele CA2580612915.